The following is an entry in ClinVar:

ClinVar aggregate classification (germline): Likely pathogenic (1 of 4 stars; one submission).

Conditions:
Autosomal recessive nonsyndromic hearing loss 3. Also called: NEUROSENSORY NONSYNDROMIC RECESSIVE DEAFNESS 3. Identifiers: Orphanet 90636, MedGen C1838263, MONDO:0010860, OMIM 600316.

Submission:

Institute of Rare Diseases, West China Hospital, Sichuan University
Classification: Likely pathogenic for Autosomal recessive nonsyndromic hearing loss 3. Last evaluated: 2025-01-09. Review status: criteria provided, single submitter. Criteria: ClinGen HL ACMG Specifications v1. Collection method: research. Allele origin: germline. Affected: yes.
Comment: PVS1;PM2_Supporting

NM_016239.4(MYO15A):c.5859_5869del (p.Lys1954fs)

Gene: MYO15A (myosin XVA; plus strand). Cytogenetic location: 17p11.2.
Variant type: Deletion.
Coding change: c.5859_5869del on transcript NM_016239.4 (MANE Select); coding-DNA positions 5859 to 5869, 11 bases deleted (GAAGTTCCGGT).
Protein change: p.Lys1954fs; shifts the reading frame from lysine 1954.
Molecular consequence: frameshift variant.
Genome position (GRCh38, 1-based): chr17:18,142,789-18,142,799, GAAGTTCCGGT deleted; deleting any 11 consecutive bases within chr17:18,142,786-18,142,799 gives the same sequence; the c. name uses the placement nearest the transcript's 3' end. VCF-style (leftmost placement, unchanged base first): chr17-18142785-TGGTGAAGTTCC-T. GRCh37 (hg19) VCF-style: chr17-18046099-TGGTGAAGTTCC-T.
Other names: short protein forms K1954fs.
Identifiers: ClinVar variation 3601289 (VCV003601289.1).
Genomic context (GRCh38, chr17:18,142,785, plus strand): 5'-AATCCCTGACCTCCCCACTACCCCAACCCAGGCAACGCTATCAGCAGATGAGGAGGAGTC[TGGTGAAGTTCC>T]GGTCCCTGGTACACGCATACGTGAGCCGCCGACGCTATCTCAAGGTATAGGCCCTACCCT-3'